The following is an entry in ClinVar:

NM_003784.4(SERPINB7):c.597+8G>A

Gene: SERPINB7 (serpin family B member 7; plus strand). Cytogenetic location: 18q21.33.
Variant type: single nucleotide variant.
Coding change: c.597+8G>A on transcript NM_003784.4 (MANE Select); 8 bases into the intron after coding-DNA position 597, G replaced by A.
Molecular consequence: intron variant.
Genome position (GRCh38, 1-based): chr18:63,798,754, G>A. VCF-style: chr18-63798754-G-A. GRCh37 (hg19) VCF-style: chr18-61465988-G-A.
Other names: c.597+8G>A (NM_001040147.3, NM_001261830.2); c.546+8G>A (NM_001261831.2).
Identifiers: ClinVar variation 3046405 (VCV003046405.2), dbSNP rs369236570, ClinGen allele CA8989466.

ClinVar aggregate classification (germline): Likely benign (0 of 4 stars; one submission).

Conditions:
SERPINB7-related disorder. Also called: SERPINB7-related condition.

Allele frequency attached by ClinVar (database versions not stated): ExAC 0.00003; TOPMed 0.00003; gnomAD 0.00005; gnomAD exomes 0.00007; ESP Exome Variant Server 0.00015.
gnomAD v4.1: 115 of 1,610,930 alleles (0.0071%); highest among the groups gnomAD compares: African/African-American, 0.015%; no homozygotes.

Submission:

PreventionGenetics, part of Exact Sciences
Classification: Likely benign for SERPINB7-related condition. Last evaluated: 2019-03-04. Review status: no assertion criteria provided. Collection method: clinical testing. Allele origin: germline.
Comment: This variant is classified as likely benign based on ACMG/AMP sequence variant interpretation guidelines (Richards et al. 2015 PMID: 25741868, with internal and published modifications).